The following is an entry in ClinVar:

NM_003183.6(ADAM17):c.163G>T (p.Val55Leu)

Gene: ADAM17 (ADAM metallopeptidase domain 17; minus strand). Cytogenetic location: 2p25.1.
Variant type: single nucleotide variant.
Coding change: c.163G>T on transcript NM_003183.6 (MANE Select); coding-DNA position 163, G replaced by T.
Protein change: p.Val55Leu; replaces valine 55 with leucine.
Molecular consequence: missense variant. On other transcripts: 5 prime UTR variant (2).
Genome position (GRCh38, 1-based): chr2:9,543,220, C>A on the plus strand (G>T on the coding strand, the complement: ADAM17 is on the minus strand). VCF-style: chr2-9543220-C-A. GRCh37 (hg19) VCF-style: chr2-9683349-C-A.
Other names: c.-518G>T (NM_001382777.1); c.-760G>T (NM_001382778.1); c.163G>T (NM_003183.4); short protein forms V55L.
Identifiers: ClinVar variation 1429444 (VCV001429444.6), dbSNP rs752745494, ClinGen allele CA42393373.

ClinVar aggregate classification (germline): Uncertain significance. Review status: criteria provided, multiple submitters, no conflicts (2 of 4 stars). 2 submissions from 2 submitters: Uncertain significance (2). Last evaluated 2023-12-27.

Conditions:
Inborn genetic diseases. Identifiers: MedGen C0950123, MeSH D030342.
Inflammatory skin and bowel disease, neonatal, 1. Identifiers: Orphanet 294023, MedGen C3280501, MONDO:0013693, OMIM 614328.

Allele frequency attached by ClinVar (database versions not stated): gnomAD exomes below 0.00001; TOPMed below 0.00001; gnomAD 0.00001.
gnomAD v4.1: 52 of 1,609,570 alleles (0.0032%); highest among the groups gnomAD compares: Non-Finnish European, 0.0044%; no homozygotes.

Submissions (2):

Ambry Genetics
Classification: Uncertain significance for Inborn genetic diseases. Last evaluated: 2023-12-27. Review status: criteria provided, single submitter. Criteria: Ambry Variant Classification Scheme 2023. Collection method: clinical testing. Allele origin: germline.

Labcorp Genetics (formerly Invitae), Labcorp
Classification: Uncertain significance for Inflammatory skin and bowel disease, neonatal, 1. Last evaluated: 2021-08-14. Review status: criteria provided, single submitter. Criteria: Invitae Variant Classification Sherloc (09022015). Collection method: clinical testing. Allele origin: germline.
Comment: This sequence change replaces valine with leucine at codon 55 of the ADAM17 protein (p.Val55Leu). The valine residue is moderately conserved and there is a small physicochemical difference between valine and leucine. This variant is not present in population databases (ExAC no frequency). This variant has not been reported in the literature in individuals affected with ADAM17-related conditions. Algorithms developed to predict the effect of missense changes on protein structure and function output the following: SIFT: "Not Available"; PolyPhen-2: "Benign"; Align-GVGD: "Not Available". The leucine amino acid residue is found in multiple mammalian species, which suggests that this missense change does not adversely affect protein function. In summary, the available evidence is currently insufficient to determine the role of this variant in disease. Therefore, it has been classified as a Variant of Uncertain Significance.